The following is an entry in ClinVar:

ClinVar aggregate classification (germline): Pathogenic (1 of 4 stars; one submission).

Submission:

Labcorp Genetics (formerly Invitae), Labcorp
Classification: Pathogenic. Last evaluated: 2025-12-20. Review status: criteria provided, single submitter. Criteria: Invitae Variant Classification Sherloc (09022015). Collection method: clinical testing. Allele origin: germline.
Comment: This sequence change creates a premature translational stop signal (p.Glu288Aspfs*5) in the ADCY10 gene. It is expected to result in an absent or disrupted protein product. Loss-of-function variants in ADCY10 are known to be pathogenic (PMID: 31119281). This variant is not present in population databases (gnomAD no frequency). This variant has not been reported in the literature in individuals affected with ADCY10-related conditions. For these reasons, this variant has been classified as Pathogenic.

Literature cited by the submitters: PubMed 31119281.

NM_018417.6(ADCY10):c.864del (p.Glu288fs)

Genes: ADCY10 (adenylate cyclase 10; minus strand), DCAF6 (DDB1 and CUL4 associated factor 6; plus strand). Cytogenetic location: 1q24.2.
Variant type: Deletion.
Coding change: c.864del on transcript NM_018417.6 (MANE Select); coding-DNA position 864, one base deleted (G; older notation c.864delG).
Protein change: p.Glu288fs; shifts the reading frame from glutamic acid 288.
Molecular consequence: frameshift variant.
Genome position (GRCh38, 1-based): chr1:167,883,593, C deleted on the plus strand (G on the coding strand, the reverse complement: ADCY10 is on the minus strand). VCF-style (leftmost placement, unchanged base first): chr1-167883592-GC-G. GRCh37 (hg19) VCF-style: chr1-167852830-GC-G.
Other names: c.405del, p.Glu135fs (NM_001167749.3); c.588del, p.Glu196fs (NM_001297772.2); short protein forms E288fs, E196fs, E135fs.
Identifiers: ClinVar variation 4775993 (VCV004775993.1).